The following is an entry in ClinVar:

ClinVar aggregate classification (germline): Pathogenic. Review status: criteria provided, multiple submitters, no conflicts (2 of 4 stars). 2 submissions from 2 submitters: Pathogenic (2). Last evaluated 2025-08-05.

Conditions:
Cystic fibrosis (CF). Also called: MUCOVISCIDOSIS. Identifiers: Orphanet 586, MedGen C0010674, MONDO:0009061, OMIM 219700. Disease mechanism: loss of function.
CFTR-related disorder (CFTR-RD). Also called: CFTR-related disorders; CFTR-related condition. Identifiers: MedGen C5924204, MONDO:7770004.

Submissions (2):

Natera, Inc.
Classification: Pathogenic for CFTR-related disorders. Last evaluated: 2025-08-05. Review status: criteria provided, single submitter. Criteria: Natera Variant Classification Schema (03/2026). Collection method: clinical testing. Allele origin: germline.
Comment: The c.490-1G>T variant in CFTR is a canonical splice acceptor site variant predicted to affect pre-mRNA splicing, which may result in an abnormal transcript and altered protein product. This variant is expected to result in nonsense mediated decay, truncation, or a dysfunctional protein product. This variant is rare in the general population with a frequency below the threshold expected for the associated phenotype(s). Another variant at this same site results in an alteration predicted to cause a similar molecular effect has been observed in individual(s) with the associated phenotype. Given the available evidence, this variant is classified as Pathogenic.

Mendelics
Classification: Pathogenic for Cystic fibrosis. Last evaluated: 2018-11-05. Review status: criteria provided, single submitter. Criteria: Mendelics Assertion Criteria 2017. Collection method: clinical testing. Allele origin: unknown. Affected: yes.

NM_000492.4(CFTR):c.490-1G>T

Gene: CFTR (CF transmembrane conductance regulator; plus strand). Cytogenetic location: 7q31.2.
Variant type: single nucleotide variant.
Coding change: c.490-1G>T on transcript NM_000492.4 (MANE Select); the canonical splice acceptor site of the intron before coding-DNA position 490, G replaced by T.
Molecular consequence: splice acceptor variant.
Genome position (GRCh38, 1-based): chr7:117,534,275, G>T. VCF-style: chr7-117534275-G-T. GRCh37 (hg19) VCF-style: chr7-117174329-G-T.
Other names: c.490-1G>T (NM_000492.3).
Identifiers: ClinVar variation 618941 (VCV000618941.3), dbSNP rs397508734, ClinGen allele CA368976294.